The following is an entry in ClinVar:

ClinVar aggregate classification (germline): Benign (1 of 4 stars; one submission).

Conditions:
Mulibrey nanism syndrome. Also called: MUSCLE-LIVER-BRAIN-EYE NANISM; PERHEENTUPA SYNDROME; PERICARDIAL CONSTRICTION AND GROWTH FAILURE. Identifiers: Orphanet 2576, MedGen C0524582, MONDO:0009664, OMIM 253250.

Allele frequency attached by ClinVar (database versions not stated): gnomAD 0.00002 and 0.00123; TOPMed 0.00022; 1000 Genomes Project 30x 0.00765; 1000 Genomes Project 0.00779.
gnomAD v4.1: 1,887 of 594,532 alleles (0.32%); highest among the groups gnomAD compares: South Asian, 3.6%; 46 homozygotes.

Submission:

Illumina Laboratory Services, Illumina
Classification: Benign for Mulibrey nanism syndrome. Last evaluated: 2018-01-13. Review status: criteria provided, single submitter. Criteria: ICSL Variant Classification Criteria 13 December 2019. Collection method: clinical testing. Allele origin: germline.
Comment: This variant was observed in the ICSL laboratory as part of a predisposition screen in an ostensibly healthy population. It had not been previously curated by ICSL or reported in the Human Gene Mutation Database (HGMD: prior to June 1st, 2018), and was therefore a candidate for classification through an automated scoring system. Utilizing variant allele frequency, disease prevalence and penetrance estimates, and inheritance mode, an automated score was calculated to assess if this variant is too frequent to cause the disease. Based on the score and internal cut-off values, a variant classified as benign is not then subjected to further curation. The score for this variant resulted in a classification of benign for this disease.

NM_015294.6(TRIM37):c.-236A>G

Gene: TRIM37 (tripartite motif containing 37; minus strand). Cytogenetic location: 17q22.
Variant type: single nucleotide variant.
Coding change: c.-236A>G on transcript NM_015294.6 (MANE Select); 236 bases upstream of the start codon, A replaced by G.
Molecular consequence: 5 prime UTR variant. On other transcripts: non-coding transcript variant (2).
Genome position (GRCh38, 1-based): chr17:59,106,697, T>C on the plus strand (A>G on the coding strand, the complement: TRIM37 is on the minus strand). VCF-style: chr17-59106697-T-C. GRCh37 (hg19) VCF-style: chr17-57184058-T-C.
Other names: c.-236A>G (NM_001005207.5, NM_001320987.3, NM_001320988.3 and 4 more transcripts); c.-678A>G (NM_001320990.3); c.-988A>G (NM_001353083.2); c.-508A>G (NM_001353085.2).
Identifiers: ClinVar variation 324215 (VCV000324215.5), dbSNP rs371575547, ClinGen allele CA10650585.
Genomic context (GRCh38, chr17:59,106,697, plus strand): 5'-CCCCCATTTCGCCATTTTTACCGGCGCGCCCGCCCCGAGGCGCAGAAGTAGGGCGAACGG[T>C]GGCCGCAGCTCCTTTCTCCCGGCTCAGCCGCCGGCCAGCAGCCGCGCCGGAACCTCGGCC-3'